The following is an entry in ClinVar:

ClinVar aggregate classification (germline): Uncertain significance. Review status: criteria provided, multiple submitters, no conflicts (2 of 4 stars). 2 submissions from 2 submitters: Uncertain significance (2). Last evaluated 2024-03-16.

Conditions:
Nephronophthisis 14 (NPHP14). Identifiers: Orphanet 2318, MedGen C3539071, MONDO:0013916, OMIM 614844.

Allele frequency attached by ClinVar (database versions not stated): TOPMed 0.00001.
gnomAD v4.1: 3 of 1,576,848 alleles (0.00019%); highest among the groups gnomAD compares: Non-Finnish European, 0.00017%; no homozygotes.

Submissions (2):

Blueprint Genetics
Classification: Uncertain significance. Last evaluated: 2024-03-16. Review status: criteria provided, single submitter. Criteria: ACMG Guidelines, 2015. Collection method: clinical testing. Allele origin: germline.

Labcorp Genetics (formerly Invitae), Labcorp
Classification: Uncertain significance for Nephronophthisis 14. Last evaluated: 2022-10-04. Review status: criteria provided, single submitter. Criteria: Invitae Variant Classification Sherloc (09022015). Collection method: clinical testing. Allele origin: germline.
Comment: In summary, the available evidence is currently insufficient to determine the role of this variant in disease. Therefore, it has been classified as a Variant of Uncertain Significance. Advanced modeling of protein sequence and biophysical properties (such as structural, functional, and spatial information, amino acid conservation, physicochemical variation, residue mobility, and thermodynamic stability) performed at Invitae indicates that this missense variant is not expected to disrupt ZNF423 protein function. ClinVar contains an entry for this variant (Variation ID: 1408976). This variant has not been reported in the literature in individuals affected with ZNF423-related conditions. This variant is not present in population databases (gnomAD no frequency). This sequence change replaces serine, which is neutral and polar, with leucine, which is neutral and non-polar, at codon 1160 of the ZNF423 protein (p.Ser1160Leu).

NM_001379286.1(ZNF423):c.3503C>T (p.Ser1168Leu)

Gene: ZNF423 (zinc finger protein 423; minus strand). Cytogenetic location: 16q12.1.
Variant type: single nucleotide variant.
Coding change: c.3503C>T on transcript NM_001379286.1 (MANE Select); coding-DNA position 3503, C replaced by T.
Protein change: p.Ser1168Leu; replaces serine 1168 with leucine.
Molecular consequence: missense variant.
Genome position (GRCh38, 1-based): chr16:49,635,673, G>A on the plus strand (C>T on the coding strand, the complement: ZNF423 is on the minus strand). VCF-style: chr16-49635673-G-A. GRCh37 (hg19) VCF-style: chr16-49669584-G-A.
Other names: c.3299C>T, p.Ser1100Leu (NM_001271620.2); c.3128C>T, p.Ser1043Leu (NM_001330533.2); c.3479C>T, p.Ser1160Leu (NM_015069.5); short protein forms S1100L, S1043L, S1168L, S1160L.
Identifiers: ClinVar variation 1408976 (VCV001408976.5), dbSNP rs1439677766, ClinGen allele CA395839102.